The following is an entry in ClinVar:

NM_000455.5(STK11):c.709G>C (p.Asp237His)

Gene: STK11 (serine/threonine kinase 11; plus strand). Cytogenetic location: 19p13.3.
Variant type: single nucleotide variant.
Coding change: c.709G>C on transcript NM_000455.5 (MANE Select); coding-DNA position 709, G replaced by C.
Protein change: p.Asp237His; replaces aspartic acid 237 with histidine.
Molecular consequence: missense variant.
Genome position (GRCh38, 1-based): chr19:1,220,692, G>C. VCF-style: chr19-1220692-G-C. GRCh37 (hg19) VCF-style: chr19-1220691-G-C.
Other names: short protein forms D237H.
Identifiers: ClinVar variation 428752 (VCV000428752.6), dbSNP rs878853247, ClinGen allele CA402949902.

ClinVar aggregate classification (germline): Likely pathogenic (1 of 4 stars; one submission).

Conditions:
Hereditary cancer-predisposing syndrome. Also called: Hereditary Cancer Syndrome; Neoplastic Syndromes, Hereditary; Hereditary neoplastic syndrome; Tumor predisposition. Identifiers: Orphanet 140162, MedGen C0027672, MeSH D009386, MONDO:0015356.

Submission:

Ambry Genetics
Classification: Likely pathogenic for Hereditary cancer-predisposing syndrome. Last evaluated: 2023-09-05. Review status: criteria provided, single submitter. Criteria: Ambry Variant Classification Scheme 2023. Collection method: clinical testing. Allele origin: germline.
Comment: The p.D237H variant (also known as c.709G>C), located in coding exon 5 of the STK11 gene, results from a G to C substitution at nucleotide position 709. The aspartic acid at codon 237 is replaced by histidine, an amino acid with some similar properties. Based on internal structural assessment, this alteration results in structural disruption in a sensitive region of the STK11 protein (Zeqiraj E et al. Science, 2009 Dec;326:1707-11). This amino acid position is highly conserved in available vertebrate species. This variant is considered to be rare based on population cohorts in the Genome Aggregation Database (gnomAD). In addition, this alteration is predicted to be deleterious by in silico analysis. Based on the majority of available evidence to date, this variant is likely to be pathogenic.

Literature cited by the submitters: PubMed 19892943.